The following is an entry in ClinVar:

NC_000004.11:g.(?_493105)_(533178_?)dup

Genes: PIGG (phosphatidylinositol glycan anchor biosynthesis class G (EMM blood group); plus strand), ZNF721 (zinc finger protein 721; minus strand). Cytogenetic location: 4p16.3.
Variant type: Duplication.
Identifiers: ClinVar variation 542908 (VCV000542908.3).

ClinVar aggregate classification (germline): Uncertain significance (1 of 4 stars; one submission).

Conditions:
Intellectual disability, autosomal recessive 53 (NEDHSCA). Also called: GLYCOSYLPHOSPHATIDYLINOSITOL BIOSYNTHESIS DEFECT 13; Mental retardation, autosomal recessive 53; NEURODEVELOPMENTAL DISORDER WITH OR WITHOUT HYPOTONIA, SEIZURES, AND CEREBELLAR ATROPHY. Identifiers: Orphanet 488635, MedGen C4310794, MONDO:0014832, OMIM 616917.

Submission:

Labcorp Genetics (formerly Invitae), Labcorp
Classification: Uncertain significance for Mental retardation, autosomal recessive 53. Last evaluated: 2019-11-27. Review status: criteria provided, single submitter. Criteria: Invitae Variant Classification Sherloc (09022015). Collection method: clinical testing. Allele origin: germline.
Comment: A gross duplication of the genomic region encompassing the full coding sequence of the PIGG gene has been identified. The boundaries of this event are unknown as the duplication extends beyond the assayed region for this gene and therefore may encompass additional genes. As the precise location of this duplication is unknown, it may be in tandem or it may be located elsewhere in the genome. This variant has not been reported in the literature in individuals with PIGG-related disease. In summary, the available evidence is currently insufficient to determine the role of this variant in disease. Therefore, it has been classified as a Variant of Uncertain Significance.